The following is an entry in ClinVar:

ClinVar aggregate classification (germline): Uncertain significance (1 of 4 stars; one submission).

Conditions:
RASopathy. Also called: Noonan spectrum disorder; rasopathies. Identifiers: Orphanet 536391, MedGen C5555857, MONDO:0021060.

Submission:

Labcorp Genetics (formerly Invitae), Labcorp
Classification: Uncertain significance for RASopathy. Last evaluated: 2025-01-18. Review status: criteria provided, single submitter. Criteria: Invitae Variant Classification Sherloc (09022015). Collection method: clinical testing. Allele origin: germline.
Comment: This sequence change replaces histidine, which is basic and polar, with asparagine, which is neutral and polar, at codon 1316 of the SOS1 protein (p.His1316Asn). This variant is not present in population databases (gnomAD no frequency). This variant has not been reported in the literature in individuals affected with SOS1-related conditions. Invitae Evidence Modeling of protein sequence and biophysical properties (such as structural, functional, and spatial information, amino acid conservation, physicochemical variation, residue mobility, and thermodynamic stability) indicates that this missense variant is not expected to disrupt SOS1 protein function with a negative predictive value of 95%. In summary, the available evidence is currently insufficient to determine the role of this variant in disease. Therefore, it has been classified as a Variant of Uncertain Significance.

NM_005633.4(SOS1):c.3946C>A (p.His1316Asn)

Gene: SOS1 (SOS Ras/Rac guanine nucleotide exchange factor 1; minus strand). Cytogenetic location: 2p22.1.
Variant type: single nucleotide variant.
Coding change: c.3946C>A on transcript NM_005633.4 (MANE Select); coding-DNA position 3946, C replaced by A.
Protein change: p.His1316Asn; replaces histidine 1316 with asparagine.
Molecular consequence: missense variant.
Genome position (GRCh38, 1-based): chr2:38,985,880, G>T on the plus strand (C>A on the coding strand, the complement: SOS1 is on the minus strand). VCF-style: chr2-38985880-G-T. GRCh37 (hg19) VCF-style: chr2-39213021-G-T.
Other names: c.3925C>A, p.His1309Asn (NM_001382394.1); c.3901C>A, p.His1301Asn (NM_001382395.1); short protein forms H1316N, H1309N, H1301N.
Identifiers: ClinVar variation 3676400 (VCV003676400.2).